The following is an entry in ClinVar:

NM_004369.4(COL6A3):c.3499A>T (p.Ile1167Phe)

Gene: COL6A3 (collagen type VI alpha 3 chain; minus strand). Cytogenetic location: 2q37.3.
Variant type: single nucleotide variant.
Coding change: c.3499A>T on transcript NM_004369.4 (MANE Select); coding-DNA position 3499, A replaced by T.
Protein change: p.Ile1167Phe; replaces isoleucine 1167 with phenylalanine.
Molecular consequence: missense variant.
Genome position (GRCh38, 1-based): chr2:237,374,592, T>A on the plus strand (A>T on the coding strand, the complement: COL6A3 is on the minus strand). VCF-style: chr2-237374592-T-A. GRCh37 (hg19) VCF-style: chr2-238283235-T-A.
Other names: c.2278A>T, p.Ile760Phe (NM_057164.5); c.2881A>T, p.Ile961Phe (NM_057165.5, NM_057167.4); c.1678A>T, p.Ile560Phe (NM_057166.5); short protein forms I1167F, I760F, I961F, I560F.
Identifiers: ClinVar variation 284966 (VCV000284966.13), dbSNP rs886042996, ClinGen allele CA10604971.

ClinVar aggregate classification (germline): Conflicting classifications of pathogenicity. Review status: criteria provided, conflicting classifications (1 of 4 stars). 5 submissions from 5 submitters: Uncertain significance (4); Likely benign (1). Last evaluated 2026-01-15.

Conditions:
Inborn genetic diseases. Identifiers: MedGen C0950123, MeSH D030342.
Bethlem myopathy 1A. Also called: Bethlem myopathy 1; MYOPATHY, BENIGN CONGENITAL, WITH CONTRACTURES; Bethlem Muscular Dystrophy. Identifiers: Orphanet 610, MedGen CN029274, MONDO:0024530, OMIM 158810.
Dystonia 27 (DYT27). Identifiers: Orphanet 464440, MedGen C4225336, MONDO:0014627, OMIM 616411.
Ullrich congenital muscular dystrophy 1A. Also called: Ullrich congenital muscular dystrophy 1; Intermediate COL6-RD. Identifiers: Orphanet 75840, MedGen C0410179, MONDO:0009681, OMIM 254090.

Allele frequency attached by ClinVar (database versions not stated): gnomAD exomes below 0.00001; TOPMed 0.00003.
gnomAD v4.1: 3 of 1,614,078 alleles (0.00019%); highest among the groups gnomAD compares: Admixed American, 0.005%; no homozygotes.

Submissions (5):

Labcorp Genetics (formerly Invitae), Labcorp
Classification: Likely benign for Bethlem myopathy 1A. Last evaluated: 2026-01-15. Review status: criteria provided, single submitter. Criteria: Invitae Variant Classification Sherloc (09022015). Collection method: clinical testing. Allele origin: germline.

Ambry Genetics
Classification: Uncertain significance for Inborn genetic diseases. Last evaluated: 2025-11-26. Review status: criteria provided, single submitter. Criteria: Ambry Variant Classification Scheme 2023. Collection method: clinical testing. Allele origin: germline.

GeneDx
Classification: Uncertain significance. Last evaluated: 2020-05-04. Review status: criteria provided, single submitter. Criteria: GeneDx Variant Classification Process June 2021. Collection method: clinical testing. Allele origin: germline. Affected: yes.
Comment: Not observed at a significant frequency in large population cohorts (Lek et al., 2016); In silico analysis supports that this missense variant has a deleterious effect on protein structure/function; Has not been previously published as pathogenic or benign to our knowledge

Fulgent Genetics
Classification: Uncertain significance for Bethlem myopathy 1A; Ullrich congenital muscular dystrophy 1A; Dystonia 27. Last evaluated: 2018-10-31. Review status: criteria provided, single submitter. Criteria: ACMG Guidelines, 2015. Collection method: clinical testing. Allele origin: unknown.

Eurofins Ntd Llc (ga)
Classification: Uncertain significance. Last evaluated: 2015-12-14. Review status: criteria provided, single submitter. Criteria: EGL Classification Definitions 2015. Collection method: clinical testing. Allele origin: germline. Observed: 1 variant allele, 1 heterozygote.